The following is an entry in ClinVar:

ClinVar aggregate classification (germline): Conflicting classifications of pathogenicity. Review status: criteria provided, conflicting classifications (1 of 4 stars). 2 submissions from 2 submitters: Pathogenic (1); Uncertain significance (1). Last evaluated 2023-07-14.

Conditions:
GNAS-related disorder. Identifiers: MedGen CN380105.
Pseudopseudohypoparathyroidism (PPHP). Also called: ALBRIGHT HEREDITARY OSTEODYSTROPHY WITHOUT MULTIPLE HORMONE RESISTANCE; Pseudopseudohypoparathyroidism (PPHP). Identifiers: Orphanet 79445, MedGen C0033835, MONDO:0012912, OMIM 612463.

Submissions (2):

3billion
Classification: Uncertain significance for Pseudopseudohypoparathyroidism. Last evaluated: 2023-07-14. Review status: criteria provided, single submitter. Criteria: ACMG Guidelines, 2015. Collection method: clinical testing. Allele origin: germline. Affected: yes.
Comment: The variant is not observed in the gnomAD v2.1.1 dataset. Predicted Consequence/Location: Start lost variant Other start loss variants been previously reported as pathogenic/likely pathogenic with strong evidence (ClinVar ID: VCV000499177.5, VCV001332852.2, VCV002022154.1, VCV000419339.8, VCV000015927.6). Therefore, this variant is classified as Likely pathogenic according to the recommendation of ACMG/AMP guideline.

Blueprint Genetics
Classification: Pathogenic for GNAS-related disorders. Last evaluated: 2020-11-17. Review status: criteria provided, single submitter. Criteria: ACMG Guidelines, 2015. Collection method: clinical testing. Allele origin: germline. Affected: yes. Observed: 1 variant allele.

NM_000516.7(GNAS):c.3G>C (p.Met1Ile)

Gene: GNAS (GNAS complex locus; plus strand). Cytogenetic location: 20q13.32.
Variant type: single nucleotide variant.
Coding change: c.3G>C on transcript NM_000516.7 (MANE Select); coding-DNA position 3, G replaced by C.
Protein change: p.Met1Ile; changes the start codon (methionine 1).
Molecular consequence: missense variant, initiator codon variant. On other transcripts: intron variant (8).
Genome position (GRCh38, 1-based): chr20:58,891,729, G>C. VCF-style: chr20-58891729-G-C. GRCh37 (hg19) VCF-style: chr20-57466784-G-C.
Other names: c.3G>C, p.Met1Ile (NM_001077488.5, NM_001077489.4, NM_001309842.2 and 1 more transcripts); c.*43-3883G>C (NM_016592.5); c.44-3883G>C (NM_001410912.1); c.-38-3883G>C (NM_001309861.2); c.*1-3883G>C (NM_001077490.3); c.2069-3883G>C (NM_080425.4, NM_001410913.1); c.*159-3883G>C (NM_001309883.1); c.-39+2376G>C (NM_001309840.2); short protein forms M1I.
Identifiers: ClinVar variation 3775777 (VCV003775777.2).